The following is an entry in ClinVar:

NM_004655.4(AXIN2):c.1082A>G (p.Glu361Gly)

Gene: AXIN2 (axin 2; minus strand). Cytogenetic location: 17q24.1.
Variant type: single nucleotide variant.
Coding change: c.1082A>G on transcript NM_004655.4 (MANE Select); coding-DNA position 1082, A replaced by G.
Protein change: p.Glu361Gly; replaces glutamic acid 361 with glycine.
Molecular consequence: missense variant.
Genome position (GRCh38, 1-based): chr17:65,538,321, T>C on the plus strand (A>G on the coding strand, the complement: AXIN2 is on the minus strand). VCF-style: chr17-65538321-T-C. GRCh37 (hg19) VCF-style: chr17-63534439-T-C.
Other names: c.1082A>G, p.Glu361Gly (NM_001363813.1); short protein forms E361G.
Identifiers: ClinVar variation 2116352 (VCV002116352.4), dbSNP rs2544183107, ClinGen allele CA400678560.

ClinVar aggregate classification (germline): Uncertain significance (1 of 4 stars; one submission).

Conditions:
Oligodontia-cancer predisposition syndrome. Also called: TOOTH AGENESIS-COLORECTAL CANCER SYNDROME. Identifiers: Orphanet 300576, MedGen C1837750, MONDO:0012075, OMIM 608615. Disease mechanism: loss of function.

Submission:

Labcorp Genetics (formerly Invitae), Labcorp
Classification: Uncertain significance for Oligodontia-cancer predisposition syndrome. Last evaluated: 2023-05-08. Review status: criteria provided, single submitter. Criteria: Invitae Variant Classification Sherloc (09022015). Collection method: clinical testing. Allele origin: germline.
Comment: In summary, the available evidence is currently insufficient to determine the role of this variant in disease. Therefore, it has been classified as a Variant of Uncertain Significance. Advanced modeling of protein sequence and biophysical properties (such as structural, functional, and spatial information, amino acid conservation, physicochemical variation, residue mobility, and thermodynamic stability) has been performed at Invitae for this missense variant, however the output from this modeling did not meet the statistical confidence thresholds required to predict the impact of this variant on AXIN2 protein function. ClinVar contains an entry for this variant (Variation ID: 2116352). This variant has not been reported in the literature in individuals affected with AXIN2-related conditions. This variant is not present in population databases (gnomAD no frequency). This sequence change replaces glutamic acid, which is acidic and polar, with glycine, which is neutral and non-polar, at codon 361 of the AXIN2 protein (p.Glu361Gly).